The following is an entry in ClinVar:

ClinVar aggregate classification (germline): Benign/Likely benign. Review status: criteria provided, multiple submitters, no conflicts (2 of 4 stars). 6 submissions from 6 submitters: Benign (1); Likely benign (4). 1 of the submissions does not count toward it. Last evaluated 2025-12-28.

Conditions:
Hereditary cancer-predisposing syndrome. Also called: Tumor predisposition; Hereditary neoplastic syndrome; Neoplastic Syndromes, Hereditary; Hereditary Cancer Syndrome. Identifiers: Orphanet 140162, MedGen C0027672, MeSH D009386, MONDO:0015356.
Hereditary breast ovarian cancer syndrome. Also called: Hereditary breast and ovarian cancer; BRCA1- and BRCA2-Associated Hereditary Breast and Ovarian Cancer; Hereditary breast and/or ovarian cancer syndrome; Hereditary breast and ovarian cancer syndrome; Hereditary breast and ovarian cancer syndrome (HBOC); Breast and ovarian cancer. Identifiers: Orphanet 145, MedGen C0677776, MeSH D061325, MONDO:0003582. Disease mechanism: loss of function.
Breast-ovarian cancer, familial, susceptibility to, 2 (BROVCA2). Also called: BRCA2 Hereditary Breast and Ovarian Cancer. Identifiers: Orphanet 145, MedGen C2675520, MONDO:0012933, OMIM 612555. Disease mechanism: loss of function.

Allele frequency attached by ClinVar (database versions not stated): gnomAD exomes 0.00001 and 0.00005; ExAC 0.00002; TOPMed 0.00002; gnomAD 0.00004 and 0.00005; ESP Exome Variant Server 0.00015.
gnomAD v4.1: 71 of 1,587,582 alleles (0.0045%); highest among the groups gnomAD compares: Non-Finnish European, 0.0059%; no homozygotes.

Submissions (6):

Labcorp Genetics (formerly Invitae), Labcorp
Classification: Likely benign for Hereditary breast ovarian cancer syndrome. Last evaluated: 2025-12-28. Review status: criteria provided, single submitter. Criteria: Invitae Variant Classification Sherloc (09022015). Collection method: clinical testing. Allele origin: germline.

Women's Health and Genetics/Laboratory Corporation of America, LabCorp
Classification: Likely benign. Last evaluated: 2021-07-08. Review status: criteria provided, single submitter. Criteria: LabCorp Variant Classification Summary - May 2015. Collection method: clinical testing. Allele origin: germline.
Comment: Variant summary: BRCA2 c.7007+18T>A alters a non-conserved nucleotide located close to a canonical splice site and therefore could affect mRNA splicing, leading to a significantly altered protein sequence. 4/4 computational tools predict no significant impact on normal splicing. However, these predictions have yet to be confirmed by functional studies. The variant allele was found at a frequency of 1.2e-05 in 243612 control chromosomes (gnomAD). The available data on variant occurrences in the general population are insufficient to allow any conclusion about variant significance. c.7007+18T>A has been reported in the literature in a study of patients affected with breast and/or ovarian cancer (e.g. Caux-Moncoutier_2011) without evidence for causality. This report does not provide unequivocal conclusions about association of the variant with Hereditary Breast And Ovarian Cancer Syndrome. To our knowledge, no experimental evidence demonstrating an impact on protein function has been reported. Four ClinVar submitters (evaluation after 2014) cite the variant as likely benign. Based on the evidence outlined above, the variant was classified as likely benign.

ARUP Laboratories, Molecular Genetics and Genomics, ARUP Laboratories
Classification: Likely benign. Last evaluated: 2018-10-26. Review status: criteria provided, single submitter. Criteria: ARUP Molecular Germline Variant Investigation Process. Collection method: clinical testing. Allele origin: germline.

Color Diagnostics, LLC DBA Color Health
Classification: Likely benign for Hereditary cancer-predisposing syndrome. Last evaluated: 2016-07-01. Review status: criteria provided, single submitter. Criteria: ACMG Guidelines, 2015. Collection method: clinical testing. Allele origin: germline.

GeneDx
Classification: Benign. Last evaluated: 2015-03-03. Review status: criteria provided, single submitter. Criteria: GeneDx Variant Classification Process June 2021. Collection method: clinical testing. Allele origin: germline. Affected: yes.

Counsyl
Classification: Likely benign for Breast-ovarian cancer, familial, susceptibility to, 2. Last evaluated: 2016-11-07. Review status: no assertion criteria provided. Collection method: clinical testing. Allele origin: unknown. Not counted in ClinVar's aggregate classification.

Literature cited by the submitters: PubMed 21120943 (cited by Women's Health and Genetics/Laboratory Corporation of America, LabCorp).

NM_000059.4(BRCA2):c.7007+18T>A

Gene: BRCA2 (BRCA2 DNA repair associated; plus strand). Cytogenetic location: 13q13.1.
Variant type: single nucleotide variant.
Coding change: c.7007+18T>A on transcript NM_000059.4 (MANE Select); 18 bases into the intron after coding-DNA position 7007, T replaced by A.
Molecular consequence: intron variant.
Genome position (GRCh38, 1-based): chr13:32,346,914, T>A. VCF-style: chr13-32346914-T-A. GRCh37 (hg19) VCF-style: chr13-32921051-T-A.
Identifiers: ClinVar variation 219852 (VCV000219852.26), dbSNP rs377471435, ClinGen allele CA348568.